The following is an entry in ClinVar:

ClinVar aggregate classification (germline): Uncertain significance (1 of 4 stars; one submission).

Conditions:
Hereditary breast ovarian cancer syndrome. Also called: Hereditary breast and ovarian cancer syndrome; Hereditary breast and ovarian cancer syndrome (HBOC); BRCA1- and BRCA2-Associated Hereditary Breast and Ovarian Cancer; Hereditary breast and ovarian cancer; Breast and ovarian cancer; Hereditary breast and/or ovarian cancer syndrome. Identifiers: Orphanet 145, MedGen C0677776, MeSH D061325, MONDO:0003582. Disease mechanism: loss of function.

gnomAD v4.1: 1 of 1,542,866 alleles (0.000065%); highest among the groups gnomAD compares: East Asian, 0.0023%; no homozygotes.

Submission:

Labcorp Genetics (formerly Invitae), Labcorp
Classification: Uncertain significance for Hereditary breast ovarian cancer syndrome. Last evaluated: 2024-04-07. Review status: criteria provided, single submitter. Criteria: Invitae Variant Classification Sherloc (09022015). Collection method: clinical testing. Allele origin: germline.
Comment: This sequence change replaces isoleucine, which is neutral and non-polar, with methionine, which is neutral and non-polar, at codon 1293 of the BRCA2 protein (p.Ile1293Met). This variant is not present in population databases (gnomAD no frequency). This variant has not been reported in the literature in individuals affected with BRCA2-related conditions. Advanced modeling of protein sequence and biophysical properties (such as structural, functional, and spatial information, amino acid conservation, physicochemical variation, residue mobility, and thermodynamic stability) performed at Invitae indicates that this missense variant is not expected to disrupt BRCA2 protein function with a negative predictive value of 95%. In summary, the available evidence is currently insufficient to determine the role of this variant in disease. Therefore, it has been classified as a Variant of Uncertain Significance.

NM_000059.4(BRCA2):c.3879A>G (p.Ile1293Met)

Gene: BRCA2 (BRCA2 DNA repair associated; plus strand). Cytogenetic location: 13q13.1.
Variant type: single nucleotide variant.
Coding change: c.3879A>G on transcript NM_000059.4 (MANE Select); coding-DNA position 3879, A replaced by G.
Protein change: p.Ile1293Met; replaces isoleucine 1293 with methionine.
Molecular consequence: missense variant. On other transcripts: non-coding transcript variant (1), intron variant (2).
Genome position (GRCh38, 1-based): chr13:32,338,234, A>G. VCF-style: chr13-32338234-A-G. GRCh37 (hg19) VCF-style: chr13-32912371-A-G.
Other names: c.3879A>G, p.Ile1293Met (NM_001406719.1, NM_001406720.1, NM_001432077.1); c.1909+4847A>G (NM_001406721.1); c.425-6324A>G (NM_001406722.1); short protein forms I1293M.
Identifiers: ClinVar variation 3636468 (VCV003636468.2).